The following is an entry in ClinVar:

ClinVar aggregate classification (germline): Uncertain significance. Review status: criteria provided, multiple submitters, no conflicts (2 of 4 stars). 4 submissions from 4 submitters: Uncertain significance (4). Last evaluated 2025-06-23.

Conditions:
Inborn genetic diseases. Identifiers: MedGen C0950123, MeSH D030342.

Allele frequency attached by ClinVar (database versions not stated): TOPMed 0.00002.
gnomAD v4.1: 39 of 1,612,558 alleles (0.0024%); highest among the groups gnomAD compares: South Asian, 0.029%; no homozygotes.

Submissions (4):

Ambry Genetics
Classification: Uncertain significance for Inborn genetic diseases. Last evaluated: 2025-06-23. Review status: criteria provided, single submitter. Criteria: Ambry Variant Classification Scheme 2023. Collection method: clinical testing. Allele origin: germline.

Clinical Genetics Laboratory, Skane University Hospital Lund
Classification: Uncertain significance. Last evaluated: 2023-09-14. Review status: criteria provided, single submitter. Criteria: ACMG Guidelines, 2015. Collection method: clinical testing. Allele origin: germline. Affected: yes.

Labcorp Genetics (formerly Invitae), Labcorp
Classification: Uncertain significance. Last evaluated: 2022-06-29. Review status: criteria provided, single submitter. Criteria: Invitae Variant Classification Sherloc (09022015). Collection method: clinical testing. Allele origin: germline.
Comment: ClinVar contains an entry for this variant (Variation ID: 808140). Algorithms developed to predict the effect of missense changes on protein structure and function (SIFT, PolyPhen-2, Align-GVGD) all suggest that this variant is likely to be tolerated. In summary, the available evidence is currently insufficient to determine the role of this variant in disease. Therefore, it has been classified as a Variant of Uncertain Significance. This variant has not been reported in the literature in individuals affected with CDT1-related conditions. This sequence change replaces proline, which is neutral and non-polar, with leucine, which is neutral and non-polar, at codon 407 of the CDT1 protein (p.Pro407Leu). This variant is present in population databases (rs773731569, gnomAD 0.04%).

CeGaT Center for Human Genetics Tuebingen
Classification: Uncertain significance. Last evaluated: 2017-08-01. Review status: criteria provided, single submitter. Criteria: CeGaT Center For Human Genetics Tuebingen Variant Classification Criteria Version 2. Collection method: clinical testing. Allele origin: germline. Affected: yes. Observed: 1 variant allele.

NM_030928.4(CDT1):c.1220C>T (p.Pro407Leu)

Gene: CDT1 (chromatin licensing and DNA replication factor 1; plus strand). Cytogenetic location: 16q24.3.
Variant type: single nucleotide variant.
Coding change: c.1220C>T on transcript NM_030928.4 (MANE Select); coding-DNA position 1220, C replaced by T.
Protein change: p.Pro407Leu; replaces proline 407 with leucine.
Molecular consequence: missense variant.
Genome position (GRCh38, 1-based): chr16:88,807,148, C>T. VCF-style: chr16-88807148-C-T. GRCh37 (hg19) VCF-style: chr16-88873556-C-T.
Other names: c.1220C>T (NM_030928.3); short protein forms P407L.
Identifiers: ClinVar variation 808140 (VCV000808140.47), dbSNP rs773731569, ClinGen allele CA8234061.